The following is an entry in ClinVar:

NM_138615.3(DHX30):c.2797G>A (p.Gly933Ser)

Gene: DHX30 (DExH-box helicase 30; plus strand). Cytogenetic location: 3p21.31.
Variant type: single nucleotide variant.
Coding change: c.2797G>A on transcript NM_138615.3 (MANE Select); coding-DNA position 2797, G replaced by A.
Protein change: p.Gly933Ser; replaces glycine 933 with serine.
Molecular consequence: missense variant.
Genome position (GRCh38, 1-based): chr3:47,848,947, G>A. VCF-style: chr3-47848947-G-A. GRCh37 (hg19) VCF-style: chr3-47890437-G-A.
Other names: c.2713G>A, p.Gly905Ser (NM_001330990.2); c.2680G>A, p.Gly894Ser (NM_014966.4); short protein forms G894S, G905S, G933S.
Identifiers: ClinVar variation 3907867 (VCV003907867.1).
Genomic context (GRCh38, chr3:47,848,947, plus strand): 5'-CTGTGATCCGGCTGCCCTCTTCTCCCCTCCCAGGTGAAAGCACTGTTGAGCCATGACAGC[G>A]GCAGTGACCACCTGGCCTTTGTGCGGGCTGTCGCCGGCTGGGAGGAGGTGCTGCGTTGGC-3'
Protein context (NP_619520.1, residues 923-943): KVKALLSHDS[Gly933Ser]SDHLAFVRAV

ClinVar aggregate classification (germline): Uncertain significance (1 of 4 stars; one submission).

gnomAD v4.1: 3 of 1,611,428 alleles (0.00019%); highest among the groups gnomAD compares: Non-Finnish European, 0.000085%; no homozygotes.

Submission:

GeneDx
Classification: Uncertain significance. Last evaluated: 2024-12-19. Review status: criteria provided, single submitter. Criteria: GeneDx Variant Classification Process June 2021. Collection method: clinical testing. Allele origin: germline. Affected: yes.
Comment: Not observed at significant frequency in large population cohorts (gnomAD); In silico analysis indicates that this missense variant does not alter protein structure/function; Has not been previously published as pathogenic or benign to our knowledge